The following is an entry in ClinVar:

NM_002769.5(PRSS1):c.360C>A (p.Asn120Lys)

Genes: PRSS1 (serine protease 1; plus strand), TRB (T cell receptor beta locus; plus strand). Cytogenetic location: 7q34.
Variant type: single nucleotide variant.
Coding change: c.360C>A on transcript NM_002769.5 (MANE Select); coding-DNA position 360, C replaced by A.
Protein change: p.Asn120Lys; replaces asparagine 120 with lysine.
Molecular consequence: missense variant. On other transcripts: non-coding transcript variant (5).
Genome position (GRCh38, 1-based): chr7:142,751,933, C>A. VCF-style: chr7-142751933-C-A. GRCh37 (hg19) VCF-style: chr7-142459784-C-A.
Other names: short protein forms N120K.
Identifiers: ClinVar variation 1733191 (VCV001733191.4), dbSNP rs606231348, ClinGen allele CA369608932.

ClinVar aggregate classification (germline): Uncertain significance (1 of 4 stars; one submission).

Conditions:
Hereditary pancreatitis (PCTT). Also called: Hereditary chronic pancreatitis; PRSS1-Related Hereditary Pancreatitis. Identifiers: Orphanet 676, MedGen C0238339, MONDO:0008185, OMIM 167800.

Allele frequency attached by ClinVar (database versions not stated): gnomAD exomes below 0.00001.
gnomAD v4.1: 3 of 1,585,572 alleles (0.00019%); highest among the groups gnomAD compares: Admixed American, 0.0034%; no homozygotes.

Submission:

Ambry Genetics
Classification: Uncertain significance for Hereditary pancreatitis. Last evaluated: 2025-09-22. Review status: criteria provided, single submitter. Criteria: Ambry Variant Classification Scheme 2023. Collection method: clinical testing. Allele origin: germline.
Comment: The p.N120K variant (also known as c.360C>A), located in coding exon 3 of the PRSS1 gene, results from a C to A substitution at nucleotide position 360. The asparagine at codon 120 is replaced by lysine, an amino acid with similar properties. This amino acid position is conserved. In addition, the in silico prediction for this alteration is inconclusive. Since supporting evidence is limited at this time, the clinical significance of this alteration remains unclear.